The following is an entry in ClinVar:

ClinVar aggregate classification (germline): Uncertain significance (1 of 4 stars; one submission).

Submission:

Labcorp Genetics (formerly Invitae), Labcorp
Classification: Uncertain significance. Last evaluated: 2022-09-13. Review status: criteria provided, single submitter. Criteria: Invitae Variant Classification Sherloc (09022015). Collection method: clinical testing. Allele origin: germline.
Comment: This sequence change creates a premature translational stop signal (p.Pro798Leufs*24) in the MKL1 gene. While this is not anticipated to result in nonsense mediated decay, it is expected to disrupt the last 134 amino acid(s) of the MKL1 protein. This variant is not present in population databases (gnomAD no frequency). This variant has not been reported in the literature in individuals affected with MKL1-related conditions. Experimental studies and prediction algorithms are not available or were not evaluated, and the functional significance of this variant is currently unknown. In summary, the available evidence is currently insufficient to determine the role of this variant in disease. Therefore, it has been classified as a Variant of Uncertain Significance.

NM_020831.6(MRTFA):c.2693_2711del (p.Pro898fs)

Gene: MRTFA (myocardin related transcription factor A; minus strand). Cytogenetic location: 22q13.1.
Variant type: Deletion.
Coding change: c.2693_2711del on transcript NM_020831.6 (MANE Select); coding-DNA positions 2693 to 2711, 19 bases deleted (CCCAGGCTGCCCCACCTCC).
Protein change: p.Pro898fs; shifts the reading frame from proline 898.
Molecular consequence: frameshift variant. On other transcripts: 3 prime UTR variant (1).
Genome position (GRCh38, 1-based): chr22:40,411,775-40,411,793, GGAGGTGGGGCAGCCTGGG deleted on the plus strand (CCCAGGCTGCCCCACCTCC on the coding strand, the reverse complement: MRTFA is on the minus strand); deleting any 19 consecutive bases within chr22:40,411,775-40,411,797 gives the same sequence; the c. name uses the placement nearest the transcript's 3' end. VCF-style (leftmost placement, unchanged base first): chr22-40411774-AGGAGGTGGGGCAGCCTGGG-A. GRCh37 (hg19) VCF-style: chr22-40807778-AGGAGGTGGGGCAGCCTGGG-A.
Other names: c.2393_2411del, p.Pro798fs (NM_001282660.2); c.2543_2561del, p.Pro848fs (NM_001282661.3); c.*6_*24del (NM_001282662.3); c.2498_2516del, p.Pro833fs (NM_001318139.2); short protein forms P833fs, P848fs, P798fs, P898fs.
Identifiers: ClinVar variation 2030248 (VCV002030248.4), dbSNP rs2517787339, ClinGen allele CA2580099795.
Genomic context (GRCh38, chr22:40,411,774, plus strand): 5'-CAGCCCCGTGCTGCTCTCCAGGAAGTCCTCCAGGCGTCCAGGGAGGGAGGGTGAGCCTGG[AGGAGGTGGGGCAGCCTGGG>A]GGAGCTCAGCAGAAGGTGATGGCTGTGCTGCCAGGGGGGACCCACAGACTGTCTTCGGGG-3'